The following is an entry in ClinVar:

ClinVar aggregate classification (germline): Uncertain significance (1 of 4 stars; one submission).

Conditions:
Cardioencephalomyopathy, fatal infantile, due to cytochrome c oxidase deficiency 1 (MC4DN2). Also called: MITOCHONDRIAL COMPLEX IV DEFICIENCY, NUCLEAR TYPE 2; CYTOCHROME c OXIDASE DEFICIENCY, FATAL INFANTILE, WITH CARDIOENCEPHALOMYOPATHY. Identifiers: Orphanet 1561, MedGen C5399977, MONDO:0011451, OMIM 604377.

gnomAD v4.1: 3 of 1,610,818 alleles (0.00019%); highest among the groups gnomAD compares: African/African-American, 0.0013%; no homozygotes.

Submission:

MGZ Medical Genetics Center
Classification: Uncertain significance for Cardioencephalomyopathy, fatal infantile, due to cytochrome c oxidase deficiency 1. Last evaluated: 2022-02-26. Review status: criteria provided, single submitter. Criteria: ACMG Guidelines, 2015. Collection method: clinical testing. Allele origin: germline. Affected: yes. Observed: 2 variant alleles.
Comment: ACMG criteria applied: PM2_SUP, BP4

NM_005138.3(SCO2):c.250A>G (p.Arg84Gly)

Genes: SCO2 (synthesis of cytochrome C oxidase 2; minus strand), NCAPH2 (non-SMC condensin II complex subunit H2; plus strand). Cytogenetic location: 22q13.33.
Variant type: single nucleotide variant.
Coding change: c.250A>G on transcript NM_005138.3 (MANE Select); coding-DNA position 250, A replaced by G.
Protein change: p.Arg84Gly; replaces arginine 84 with glycine.
Molecular consequence: missense variant. On other transcripts: 3 prime UTR variant (2).
Genome position (GRCh38, 1-based): chr22:50,524,162, T>C on the plus strand (A>G on the coding strand, the complement: SCO2 is on the minus strand). VCF-style: chr22-50524162-T-C. GRCh37 (hg19) VCF-style: chr22-50962591-T-C.
Other names: c.*787T>C (NM_001185011.2, NM_152299.4); c.250A>G, p.Arg84Gly (NM_001169109.2, NM_001169110.1, NM_001169111.2); short protein forms R84G.
Identifiers: ClinVar variation 1709107 (VCV001709107.2), dbSNP rs1569521575, ClinGen allele CA412193418.